The following is an entry in ClinVar:

ClinVar aggregate classification (germline): Uncertain significance. Review status: criteria provided, multiple submitters, no conflicts (2 of 4 stars). 2 submissions from 2 submitters: Uncertain significance (2). Last evaluated 2024-10-08.

Conditions:
Cardiovascular phenotype. Identifiers: MedGen CN230736.
Hypertrophic cardiomyopathy 20. Identifiers: MedGen C3151267, MONDO:0013477, OMIM 613876.
Dilated cardiomyopathy 1CC (CMD1CC). Identifiers: Orphanet 154, MedGen C2751084, MONDO:0013147, OMIM 613122.

Submissions (2):

Ambry Genetics
Classification: Uncertain significance for Cardiovascular phenotype. Last evaluated: 2024-10-08. Review status: criteria provided, single submitter. Criteria: Ambry Variant Classification Scheme 2023. Collection method: clinical testing. Allele origin: germline.
Comment: The p.E64Q variant (also known as c.190G>C), located in coding exon 2 of the NEXN gene, results from a G to C substitution at nucleotide position 190. The glutamic acid at codon 64 is replaced by glutamine, an amino acid with highly similar properties. This amino acid position is conserved. In addition, the in silico prediction for this alteration is inconclusive. Based on the available evidence, the clinical significance of this variant remains unclear.

Labcorp Genetics (formerly Invitae), Labcorp
Classification: Uncertain significance for Dilated cardiomyopathy 1CC; Hypertrophic cardiomyopathy 20. Last evaluated: 2022-03-08. Review status: criteria provided, single submitter. Criteria: Invitae Variant Classification Sherloc (09022015). Collection method: clinical testing. Allele origin: germline.
Comment: In summary, the available evidence is currently insufficient to determine the role of this variant in disease. Therefore, it has been classified as a Variant of Uncertain Significance. Algorithms developed to predict the effect of missense changes on protein structure and function are either unavailable or do not agree on the potential impact of this missense change (SIFT: "Deleterious"; PolyPhen-2: "Probably Damaging"; Align-GVGD: "Class C0"). This sequence change replaces glutamic acid, which is acidic and polar, with glutamine, which is neutral and polar, at codon 64 of the NEXN protein (p.Glu64Gln). This variant is not present in population databases (gnomAD no frequency). This variant has not been reported in the literature in individuals affected with NEXN-related conditions.

NM_144573.4(NEXN):c.190G>C (p.Glu64Gln)

Gene: NEXN (nexilin F-actin binding protein; plus strand). Cytogenetic location: 1p31.1.
Variant type: single nucleotide variant.
Coding change: c.190G>C on transcript NM_144573.4 (MANE Select); coding-DNA position 190, G replaced by C.
Protein change: p.Glu64Gln; replaces glutamic acid 64 with glutamine.
Molecular consequence: missense variant. On other transcripts: intron variant (1).
Genome position (GRCh38, 1-based): chr1:77,917,728, G>C. VCF-style: chr1-77917728-G-C. GRCh37 (hg19) VCF-style: chr1-78383413-G-C.
Other names: c.190G>C (NM_144573.3); c.28-232G>C (NM_001172309.2); short protein forms E64Q.
Identifiers: ClinVar variation 1353833 (VCV001353833.9), dbSNP rs2102092407, ClinGen allele CA340885908.